The following is an entry in ClinVar:

ClinVar aggregate classification (germline): Uncertain significance (1 of 4 stars; one submission).

gnomAD v4.1: 14 of 1,558,102 alleles (0.0009%); highest among the groups gnomAD compares: East Asian, 0.031%; no homozygotes.

Submission:

Labcorp Genetics (formerly Invitae), Labcorp
Classification: Uncertain significance. Last evaluated: 2022-01-07. Review status: criteria provided, single submitter. Criteria: Invitae Variant Classification Sherloc (09022015). Collection method: clinical testing. Allele origin: germline.
Comment: This sequence change replaces arginine, which is basic and polar, with glycine, which is neutral and non-polar, at codon 1268 of the MYO18B protein (p.Arg1268Gly). This variant is present in population databases (rs370006917, gnomAD 0.09%). This variant has not been reported in the literature in individuals affected with MYO18B-related conditions. Algorithms developed to predict the effect of missense changes on protein structure and function are either unavailable or do not agree on the potential impact of this missense change (SIFT: "Not Available"; PolyPhen-2: "Benign"; Align-GVGD: "Not Available"). In summary, the available evidence is currently insufficient to determine the role of this variant in disease. Therefore, it has been classified as a Variant of Uncertain Significance.

NM_032608.7(MYO18B):c.3802C>G (p.Arg1268Gly)

Gene: MYO18B (myosin XVIIIB; plus strand). Cytogenetic location: 22q12.1.
Variant type: single nucleotide variant.
Coding change: c.3802C>G on transcript NM_032608.7 (MANE Select); coding-DNA position 3802, C replaced by G.
Protein change: p.Arg1268Gly; replaces arginine 1268 with glycine.
Molecular consequence: missense variant.
Genome position (GRCh38, 1-based): chr22:25,851,496, C>G. VCF-style: chr22-25851496-C-G. GRCh37 (hg19) VCF-style: chr22-26247463-C-G.
Other names: c.3805C>G, p.Arg1269Gly (NM_001318245.2); short protein forms R1268G, R1269G.
Identifiers: ClinVar variation 1911826 (VCV001911826.2), dbSNP rs370006917, ClinGen allele CA10160656.